The following is an entry in ClinVar:

ClinVar aggregate classification (germline): Uncertain significance (1 of 4 stars; one submission).

Conditions:
Cardiovascular phenotype. Identifiers: MedGen CN230736.

Submission:

Ambry Genetics
Classification: Uncertain significance for Cardiovascular phenotype. Last evaluated: 2024-11-08. Review status: criteria provided, single submitter. Criteria: Ambry Variant Classification Scheme 2023. Collection method: clinical testing. Allele origin: germline.
Comment: The c.11547-3T>C intronic variant results from a T to C substitution 3 nucleotides upstream from coding exon 49 in the AKAP9 gene. This nucleotide position is not well conserved in available vertebrate species. In silico splice site analysis predicts that this alteration will not have any significant effect on splicing. The evidence for this gene-disease relationship is limited; therefore, the clinical significance of this alteration is unclear.

NM_005751.5(AKAP9):c.11547-3T>C

Gene: AKAP9 (A-kinase anchoring protein 9; plus strand). Cytogenetic location: 7q21.2.
Variant type: single nucleotide variant.
Coding change: c.11547-3T>C on transcript NM_005751.5 (MANE Select); 3 bases into the intron before coding-DNA position 11547, T replaced by C.
Molecular consequence: intron variant.
Genome position (GRCh38, 1-based): chr7:92,108,491, T>C. VCF-style: chr7-92108491-T-C. GRCh37 (hg19) VCF-style: chr7-91737805-T-C.
Other names: c.11523-3T>C (NM_147185.3); c.6192-3T>C (NM_001379277.1).
Identifiers: ClinVar variation 3516040 (VCV003516040.1).